The following is an entry in ClinVar:

NM_000492.4(CFTR):c.1818A>T (p.Lys606Asn)

Gene: CFTR (CF transmembrane conductance regulator; plus strand). Cytogenetic location: 7q31.2.
Variant type: single nucleotide variant.
Coding change: c.1818A>T on transcript NM_000492.4 (MANE Select); coding-DNA position 1818, A replaced by T.
Protein change: p.Lys606Asn; replaces lysine 606 with asparagine.
Molecular consequence: missense variant.
Genome position (GRCh38, 1-based): chr7:117,591,985, A>T. VCF-style: chr7-117591985-A-T. GRCh37 (hg19) VCF-style: chr7-117232039-A-T.
Other names: short protein forms K606N.
Identifiers: ClinVar variation 3832603 (VCV003832603.1).
Genomic context (GRCh38, chr7:117,591,985, plus strand): 5'-ATCTTAAAGCTGTGTCTGTAAACTGATGGCTAACAAAACTAGGATTTTGGTCACTTCTAA[A>T]ATGGAACATTTAAAGAAAGCTGACAAAATATTAATTTTGCATGAAGGTAGCAGCTATTTT-3'
Protein context (NP_000483.3, residues 596-616): ANKTRILVTS[Lys606Asn]MEHLKKADKI

ClinVar aggregate classification (germline): Uncertain significance (1 of 4 stars; one submission).

Conditions:
Cystic fibrosis (CF). Also called: MUCOVISCIDOSIS. Identifiers: Orphanet 586, MedGen C0010674, MONDO:0009061, OMIM 219700. Disease mechanism: loss of function.

Submission:

Ambry Genetics
Classification: Uncertain significance for Cystic fibrosis. Last evaluated: 2025-02-27. Review status: criteria provided, single submitter. Criteria: Ambry Variant Classification Scheme 2023. Collection method: clinical testing. Allele origin: germline.
Comment: The p.K606N variant (also known as c.1818A>T), located in coding exon 14 of the CFTR gene, results from an A to T substitution at nucleotide position 1818. The lysine at codon 606 is replaced by asparagine, an amino acid with similar properties. This amino acid position is conserved. In addition, the in silico prediction for this alteration is inconclusive. Based on the available evidence, the clinical significance of this variant remains unclear.